The following is an entry in ClinVar:

ClinVar aggregate classification (germline): Uncertain significance (1 of 4 stars; one submission).

Allele frequency attached by ClinVar (database versions not stated): gnomAD exomes below 0.00001; ExAC 0.00001.

Submission:

Labcorp Genetics (formerly Invitae), Labcorp
Classification: Uncertain significance. Last evaluated: 2022-02-24. Review status: criteria provided, single submitter. Criteria: Invitae Variant Classification Sherloc (09022015). Collection method: clinical testing. Allele origin: germline.
Comment: In summary, the available evidence is currently insufficient to determine the role of this variant in disease. Therefore, it has been classified as a Variant of Uncertain Significance. Advanced modeling of protein sequence and biophysical properties (such as structural, functional, and spatial information, amino acid conservation, physicochemical variation, residue mobility, and thermodynamic stability) performed at Invitae indicates that this missense variant is not expected to disrupt RP1L1 protein function. This variant has not been reported in the literature in individuals affected with RP1L1-related conditions. This variant is present in population databases (rs780152398, gnomAD 0.0009%). This sequence change replaces glutamic acid, which is acidic and polar, with glycine, which is neutral and non-polar, at codon 133 of the RP1L1 protein (p.Glu133Gly).

NM_178857.6(RP1L1):c.398A>G (p.Glu133Gly)

Gene: RP1L1 (RP1 like 1). Cytogenetic location: 8p23.1.
Variant type: single nucleotide variant.
Coding change: c.398A>G on transcript NM_178857.6 (MANE Select); coding-DNA position 398, A replaced by G.
Protein change: p.Glu133Gly; replaces glutamic acid 133 with glycine.
Molecular consequence: missense variant.
Genome position (GRCh38, 1-based): chr8:10,622,804, T>C on the plus strand (A>G on the coding strand, the complement: RP1L1 is on the minus strand). VCF-style: chr8-10622804-T-C. GRCh37 (hg19) VCF-style: chr8-10480314-T-C.
Other names: short protein forms E133G.
Identifiers: ClinVar variation 1520813 (VCV001520813.8), dbSNP rs780152398, ClinGen allele CA4625723.